The following is an entry in ClinVar:

ClinVar aggregate classification (germline): Uncertain significance (1 of 4 stars; one submission).

Conditions:
Developmental and epileptic encephalopathy, 30 (DEE30). Also called: Epileptic encephalopathy, early infantile, 30. Identifiers: MedGen C4225360, MONDO:0014595, OMIM 616341.

Allele frequency attached by ClinVar (database versions not stated): ExAC 0.00005.

Submission:

Labcorp Genetics (formerly Invitae), Labcorp
Classification: Uncertain significance for Developmental and epileptic encephalopathy, 30. Last evaluated: 2023-02-03. Review status: criteria provided, single submitter. Criteria: Invitae Variant Classification Sherloc (09022015). Collection method: clinical testing. Allele origin: germline.
Comment: In summary, the available evidence is currently insufficient to determine the role of this variant in disease. Therefore, it has been classified as a Variant of Uncertain Significance. Advanced modeling of protein sequence and biophysical properties (such as structural, functional, and spatial information, amino acid conservation, physicochemical variation, residue mobility, and thermodynamic stability) performed at Invitae indicates that this missense variant is not expected to disrupt SIK1 protein function. This variant has not been reported in the literature in individuals affected with SIK1-related conditions. The frequency data for this variant in the population databases is considered unreliable, as metrics indicate poor data quality at this position in the gnomAD database. This sequence change replaces proline, which is neutral and non-polar, with leucine, which is neutral and non-polar, at codon 465 of the SIK1 protein (p.Pro465Leu).

NM_173354.5(SIK1):c.1394C>T (p.Pro465Leu)

Gene: SIK1 (salt inducible kinase 1; minus strand). Cytogenetic location: 21q22.3.
Variant type: single nucleotide variant.
Coding change: c.1394C>T on transcript NM_173354.5 (MANE Select); coding-DNA position 1394, C replaced by T.
Protein change: p.Pro465Leu; replaces proline 465 with leucine.
Molecular consequence: missense variant.
Genome position (GRCh38, 1-based): chr21:43,419,089, G>A on the plus strand (C>T on the coding strand, the complement: SIK1 is on the minus strand). VCF-style: chr21-43419089-G-A. GRCh37 (hg19) VCF-style: chr21-44838969-G-A.
Other names: short protein forms P465L.
Identifiers: ClinVar variation 2127826 (VCV002127826.4), dbSNP rs748461547, ClinGen allele CA321325861.